The following is an entry in ClinVar:

NM_000046.5(ARSB):c.31del (p.Arg11fs)

Genes: ARSB (arylsulfatase B; minus strand), LOC129994126 (ATAC-STARR-seq lymphoblastoid silent region 16127; plus strand). Cytogenetic location: 5q14.1.
Variant type: Deletion.
Coding change: c.31del on transcript NM_000046.5 (MANE Select); coding-DNA position 31, one base deleted (C; older notation c.31delC).
Protein change: p.Arg11fs; shifts the reading frame from arginine 11.
Molecular consequence: frameshift variant.
Genome position (GRCh38, 1-based): chr5:78,985,218, G deleted on the plus strand (C on the coding strand, the reverse complement: ARSB is on the minus strand); the first of 4 consecutive G bases (chr5:78,985,218-78,985,221); deleting any one gives the same sequence. VCF-style (leftmost placement, unchanged base first): chr5-78985217-CG-C. GRCh37 (hg19) VCF-style: chr5-78281040-CG-C.
Other names: c.31del, p.Arg11fs (NM_198709.3); short protein forms R11fs.
Identifiers: ClinVar variation 4699966 (VCV004699966.1).
Genomic context (GRCh38, chr5:78,985,217, plus strand): 5'-AACAGCAGCAGCAGCAGCGGGAGGACGACGGGGAGGAGCAGCCGCCGAGGTCCGGGGCCT[CG>C]GGGCAAGCTCGCCGCGCCGCGCGGACCCATCCTTGTCCGCCCGCGGTCCCAGCGCCTGTG-3'

ClinVar aggregate classification (germline): Pathogenic (1 of 4 stars; one submission).

Conditions:
Mucopolysaccharidosis type 6 (MPS6). Also called: N-ACETYLGALACTOSAMINE-4-SULFATASE DEFICIENCY; MPS VI; MPS 6; Maroteaux Lamy syndrome; ARSB DEFICIENCY; ARYLSULFATASE B DEFICIENCY. Identifiers: Orphanet 583, MedGen C0026709, MONDO:0009661, OMIM 253200.

Submission:

Labcorp Genetics (formerly Invitae), Labcorp
Classification: Pathogenic for Mucopolysaccharidosis type 6. Last evaluated: 2025-08-20. Review status: criteria provided, single submitter. Criteria: Invitae Variant Classification Sherloc (09022015). Collection method: clinical testing. Allele origin: germline.
Comment: This sequence change creates a premature translational stop signal (p.Arg11Glufs*45) in the ARSB gene. It is expected to result in an absent or disrupted protein product. Loss-of-function variants in ARSB are known to be pathogenic (PMID: 17458871, 22133300). This variant is not present in population databases (gnomAD no frequency). This variant has not been reported in the literature in individuals affected with ARSB-related conditions. For these reasons, this variant has been classified as Pathogenic.

Literature cited by the submitters: PubMed 17458871; PubMed 22133300.